The following is an entry in ClinVar:

NM_001034853.2(RPGR):c.2799_2804del (p.Glu935_Glu936del)

Gene: RPGR (retinitis pigmentosa GTPase regulator; minus strand). Cytogenetic location: Xp11.4.
Variant type: Deletion.
Coding change: c.2799_2804del on transcript NM_001034853.2 (MANE Select); coding-DNA positions 2799 to 2804, 6 bases deleted (AGAGGA; older notation c.2799_2804delAGAGGA).
Protein change: p.Glu935_Glu936del.
Molecular consequence: inframe deletion. On other transcripts: intron variant (8).
Genome position (GRCh38, 1-based): chrX:38,286,195-38,286,200, TCCTCT deleted on the plus strand (AGAGGA on the coding strand, the reverse complement: RPGR is on the minus strand); deleting any 6 consecutive bases within chrX:38,286,195-38,286,203 gives the same sequence; the c. name uses the placement nearest the transcript's 3' end. VCF-style (leftmost placement, unchanged base first): chrX-38286194-CTCCTCT-C. GRCh37 (hg19) VCF-style: chrX-38145447-CTCCTCT-C.
Other names: c.1569+4759_1569+4764del (NM_001367249.1, NM_001367250.1); c.1902+894_1902+899del (NM_001367245.1); c.1386+4759_1386+4764del (NM_001367251.1); c.1719+894_1719+899del (NM_001367246.1); c.1572+4759_1572+4764del (NM_001367247.1); c.1905+894_1905+899del (NM_000328.3); c.1602+4759_1602+4764del (NM_001367248.1); c.2799_2804del6 (NM_001034853.1).
Identifiers: ClinVar variation 3898167 (VCV003898167.8).

ClinVar aggregate classification (germline): Likely benign. Review status: criteria provided, multiple submitters, no conflicts (2 of 4 stars). 2 submissions from 2 submitters: Likely benign (2). Last evaluated 2025-04-01.

Conditions:
RPGR-related disorder. Also called: RPGR-related condition.

Submissions (2):

CeGaT Center for Human Genetics Tuebingen
Classification: Likely benign. Last evaluated: 2025-04-01. Review status: criteria provided, single submitter. Criteria: CeGaT Center For Human Genetics Tuebingen Variant Classification Criteria Version 2. Collection method: clinical testing. Allele origin: germline. Affected: yes. Observed: 1 variant allele.
Comment: RPGR: PM4, BS1

PreventionGenetics, part of Exact Sciences
Classification: Likely benign for RPGR-related condition. Last evaluated: 2025-01-31. Review status: criteria provided, single submitter. Criteria: ACMG Guidelines, 2015. Collection method: clinical testing. Allele origin: germline.
Comment: This variant is classified as likely benign based on ACMG/AMP sequence variant interpretation guidelines (Richards et al. 2015 PMID: 25741868, with internal and published modifications).